The following is an entry in ClinVar:

NM_002296.4(LBR):c.594A>G (p.Glu198=)

Gene: LBR (lamin B receptor; minus strand). Cytogenetic location: 1q42.12.
Variant type: single nucleotide variant.
Coding change: c.594A>G on transcript NM_002296.4 (MANE Select); coding-DNA position 594, A replaced by G.
Protein change: p.Glu198=; no amino-acid change (glutamic acid 198 retained).
Molecular consequence: synonymous variant.
Genome position (GRCh38, 1-based): chr1:225,419,309, T>C on the plus strand (A>G on the coding strand, the complement: LBR is on the minus strand). VCF-style: chr1-225419309-T-C. GRCh37 (hg19) VCF-style: chr1-225607011-T-C.
Other names: c.594A>G, p.Glu198= (NM_194442.3).
Identifiers: ClinVar variation 2970485 (VCV002970485.3), dbSNP rs2527822399, ClinGen allele CA423729419.
Genomic context (GRCh38, chr1:225,419,309, plus strand): 5'-GCTCTGAGGCCTACCAGGTACTCCTCCAAACTCCAAGTCCTTTGCCCGGATGGGGGTCAC[T>C]TCAAAGGTTCTCACTGCCAGTTCTTTTGCAACGTATTTTTCTTCCTTAGAATCTATTTCT-3'
Protein context (NP_002287.2, residues 188-208): VAKELAVRTF[Glu198=]VTPIRAKDLE

ClinVar aggregate classification (germline): Uncertain significance (1 of 4 stars; one submission).

Submission:

Labcorp Genetics (formerly Invitae), Labcorp
Classification: Uncertain significance. Last evaluated: 2023-05-05. Review status: criteria provided, single submitter. Criteria: Invitae Variant Classification Sherloc (09022015). Collection method: clinical testing. Allele origin: germline.
Comment: In summary, the available evidence is currently insufficient to determine the role of this variant in disease. Therefore, it has been classified as a Variant of Uncertain Significance. Algorithms developed to predict the effect of sequence changes on RNA splicing suggest that this variant may create or strengthen a splice site. This variant has not been reported in the literature in individuals affected with LBR-related conditions. This variant is not present in population databases (gnomAD no frequency). This sequence change affects codon 198 of the LBR mRNA. It is a 'silent' change, meaning that it does not change the encoded amino acid sequence of the LBR protein.